The following is an entry in ClinVar:

NM_006949.4(STXBP2):c.1592G>C (p.Gly531Ala)

Gene: STXBP2 (syntaxin binding protein 2; plus strand). Cytogenetic location: 19p13.2.
Variant type: single nucleotide variant.
Coding change: c.1592G>C on transcript NM_006949.4 (MANE Select); coding-DNA position 1592, G replaced by C.
Protein change: p.Gly531Ala; replaces glycine 531 with alanine.
Molecular consequence: missense variant. On other transcripts: non-coding transcript variant (1).
Genome position (GRCh38, 1-based): chr19:7,647,407, G>C. VCF-style: chr19-7647407-G-C. GRCh37 (hg19) VCF-style: chr19-7712293-G-C.
Other names: c.1583G>C, p.Gly528Ala (NM_001127396.3); c.1625G>C, p.Gly542Ala (NM_001272034.2); short protein forms G531A, G542A, G528A.
Identifiers: ClinVar variation 1430016 (VCV001430016.11), dbSNP rs746118454, ClinGen allele CA9144270.

ClinVar aggregate classification (germline): Uncertain significance (1 of 4 stars; one submission).

Conditions:
Familial hemophagocytic lymphohistiocytosis 5. Also called: STXBP2-Related Familial Hemophagocytic Lymphohistiocytosis (STXBP2-fHLH). Identifiers: Orphanet 540, MedGen C2751293, MONDO:0013135, OMIM 613101.

Allele frequency attached by ClinVar (database versions not stated): ExAC 0.00001; gnomAD 0.00001; TOPMed 0.00003.
gnomAD v4.1: 68 of 1,613,370 alleles (0.0042%); highest among the groups gnomAD compares: Non-Finnish European, 0.0057%; no homozygotes.

Submission:

Labcorp Genetics (formerly Invitae), Labcorp
Classification: Uncertain significance for Familial hemophagocytic lymphohistiocytosis 5. Last evaluated: 2026-01-21. Review status: criteria provided, single submitter. Criteria: Invitae Variant Classification Sherloc (09022015). Collection method: clinical testing. Allele origin: germline.
Comment: This sequence change replaces glycine, which is neutral and non-polar, with alanine, which is neutral and non-polar, at codon 531 of the STXBP2 protein (p.Gly531Ala). This variant is present in population databases (rs746118454, gnomAD 0.002%). This variant has not been reported in the literature in individuals affected with STXBP2-related conditions. ClinVar contains an entry for this variant (Variation ID: 1430016). Invitae Evidence Modeling of protein sequence and biophysical properties (such as structural, functional, and spatial information, amino acid conservation, physicochemical variation, residue mobility, and thermodynamic stability) has been performed for this missense variant. However, the output from this modeling did not meet the statistical confidence thresholds required to predict the impact of this variant on STXBP2 protein function. In summary, the available evidence is currently insufficient to determine the role of this variant in disease. Therefore, it has been classified as a Variant of Uncertain Significance.